The following is an entry in ClinVar:

ClinVar aggregate classification (germline): Uncertain significance. Review status: criteria provided, multiple submitters, no conflicts (2 of 4 stars). 2 submissions from 2 submitters: Uncertain significance (2). Last evaluated 2024-12-09.

Conditions:
Hereditary cancer-predisposing syndrome. Also called: Tumor predisposition; Hereditary Cancer Syndrome; Hereditary neoplastic syndrome; Neoplastic Syndromes, Hereditary. Identifiers: Orphanet 140162, MedGen C0027672, MeSH D009386, MONDO:0015356.
Rhabdoid tumor predisposition syndrome 2 (RTPS2). Identifiers: Orphanet 231108, Orphanet 69077, MedGen C2750074, MONDO:0013224, OMIM 613325.

Submissions (2):

Ambry Genetics
Classification: Uncertain significance for Hereditary cancer-predisposing syndrome. Last evaluated: 2024-12-09. Review status: criteria provided, single submitter. Criteria: Ambry Variant Classification Scheme 2023. Collection method: clinical testing. Allele origin: germline.
Comment: The p.K867R variant (also known as c.2600A>G), located in coding exon 17 of the SMARCA4 gene, results from an A to G substitution at nucleotide position 2600. The lysine at codon 867 is replaced by arginine, an amino acid with highly similar properties. This amino acid position is conserved. In addition, the in silico prediction for this alteration is inconclusive. Based on the available evidence, the clinical significance of this variant remains unclear.

Labcorp Genetics (formerly Invitae), Labcorp
Classification: Uncertain significance for Rhabdoid tumor predisposition syndrome 2. Last evaluated: 2021-09-11. Review status: criteria provided, single submitter. Criteria: Invitae Variant Classification Sherloc (09022015). Collection method: clinical testing. Allele origin: germline.
Comment: This variant has not been reported in the literature in individuals affected with SMARCA4-related conditions. This sequence change replaces lysine with arginine at codon 867 of the SMARCA4 protein (p.Lys867Arg). The lysine residue is highly conserved and there is a small physicochemical difference between lysine and arginine. This variant is not present in population databases (ExAC no frequency). Algorithms developed to predict the effect of missense changes on protein structure and function (SIFT, PolyPhen-2, Align-GVGD) all suggest that this variant is likely to be disruptive. In summary, the available evidence is currently insufficient to determine the role of this variant in disease. Therefore, it has been classified as a Variant of Uncertain Significance.

NM_003072.5(SMARCA4):c.2600A>G (p.Lys867Arg)

Gene: SMARCA4 (SWI/SNF related BAF chromatin remodeling complex subunit ATPase 4; plus strand). Cytogenetic location: 19p13.2.
Variant type: single nucleotide variant.
Coding change: c.2600A>G on transcript NM_003072.5 (MANE Select); coding-DNA position 2600, A replaced by G.
Protein change: p.Lys867Arg; replaces lysine 867 with arginine.
Molecular consequence: missense variant. On other transcripts: non-coding transcript variant (1).
Genome position (GRCh38, 1-based): chr19:11,019,685, A>G. VCF-style: chr19-11019685-A-G. GRCh37 (hg19) VCF-style: chr19-11130361-A-G.
Other names: c.2600A>G, p.Lys867Arg (NM_001128844.3, NM_001128845.2, NM_001128846.2 and 5 more transcripts); short protein forms K867R.
Identifiers: ClinVar variation 537818 (VCV000537818.7), dbSNP rs1555777820, ClinGen allele CA404054759.